The following is an entry in ClinVar:

ClinVar aggregate classification (germline): Pathogenic (1 of 4 stars; one submission).

Conditions:
Nemaline myopathy 2 (NEM2). Also called: Nemaline myopathy 2, autosomal recessive. Identifiers: MedGen C1850569, MONDO:0009725, OMIM 256030.

Submission:

Labcorp Genetics (formerly Invitae), Labcorp
Classification: Pathogenic for Nemaline myopathy 2. Last evaluated: 2021-05-31. Review status: criteria provided, single submitter. Criteria: Invitae Variant Classification Sherloc (09022015). Collection method: clinical testing. Allele origin: germline.
Comment: This sequence change creates a premature translational stop signal (p.Val7691Serfs*14) in the NEB gene. It is expected to result in an absent or disrupted protein product. Loss-of-function variants in NEB are known to be pathogenic (PMID: 25205138). For these reasons, this variant has been classified as Pathogenic. This variant has not been reported in the literature in individuals with NEB-related conditions. This variant is not present in population databases (ExAC no frequency).

Literature cited by the submitters: PubMed 25205138.

NM_001164508.2(NEB):c.22966del (p.Val7656fs)

Genes: RIF1 (replication timing regulatory factor 1; plus strand), NEB (nebulin; minus strand). Cytogenetic location: 2q23.3.
Variant type: Deletion.
Coding change: c.22966del on transcript NM_001164508.2 (MANE Select); coding-DNA position 22966, one base deleted (G; older notation c.22966delG).
Protein change: p.Val7656fs; shifts the reading frame from valine 7656.
Molecular consequence: frameshift variant.
Genome position (GRCh38, 1-based): chr2:151,514,868, C deleted on the plus strand (G on the coding strand, the reverse complement: NEB is on the minus strand); the first of 2 consecutive C bases (chr2:151,514,868-151,514,869); deleting either gives the same sequence. VCF-style (leftmost placement, unchanged base first): chr2-151514867-AC-A. GRCh37 (hg19) VCF-style: chr2-152371381-AC-A.
Other names: c.22966del, p.Val7656fs (NM_001164507.2); c.23071del, p.Val7691fs (NM_001271208.2); c.17863del, p.Val5955fs (NM_004543.5); short protein forms V7691fs, V7656fs, V5955fs.
Identifiers: ClinVar variation 1427957 (VCV001427957.6), dbSNP rs2153320686, ClinGen allele CA2573133347.
Genomic context (GRCh38, chr2:151,514,867, plus strand): 5'-GTGGGCACTACCTCGCTTGCTATTTTAGTTGCATATTTGACATGTAACAAAGCTGGCGTG[AC>A]CTCCAGGCCAGTCAGGTTTCTGCCTTTAATGGACTCTTCATAATCTTTCCTATATTCTTT-3'